The following is an entry in ClinVar:

NM_000702.4(ATP1A2):c.2770G>A (p.Val924Met)

Gene: ATP1A2 (ATPase Na+/K+ transporting subunit alpha 2; plus strand). Cytogenetic location: 1q23.2.
Variant type: single nucleotide variant.
Coding change: c.2770G>A on transcript NM_000702.4 (MANE Select); coding-DNA position 2770, G replaced by A.
Protein change: p.Val924Met; replaces valine 924 with methionine.
Molecular consequence: missense variant.
Genome position (GRCh38, 1-based): chr1:160,136,961, G>A. VCF-style: chr1-160136961-G-A. GRCh37 (hg19) VCF-style: chr1-160106751-G-A.
Other names: short protein forms V924M.
Identifiers: ClinVar variation 390229 (VCV000390229.13), dbSNP rs373276446, ClinGen allele CA1194836.

ClinVar aggregate classification (germline): Uncertain significance. Review status: criteria provided, multiple submitters, no conflicts (2 of 4 stars). 4 submissions from 4 submitters: Uncertain significance (4). Last evaluated 2026-04-17.

Conditions:
Familial hemiplegic migraine. Identifiers: MedGen C0338484, MONDO:0000700.
Migraine, familial hemiplegic, 2. Identifiers: Orphanet 569, MedGen C1865322, MONDO:0011232, OMIM 602481.
Alternating hemiplegia of childhood 1 (AHC1). Identifiers: Orphanet 2131, MedGen C3549447, MONDO:0007087, OMIM 104290.

Allele frequency attached by ClinVar (database versions not stated): ExAC 0.00002; ESP Exome Variant Server 0.00008.
gnomAD v4.1: 19 of 1,614,120 alleles (0.0012%); highest among the groups gnomAD compares: Admixed American, 0.0017%; no homozygotes.

Submissions (4):

Women's Health and Genetics/Laboratory Corporation of America, LabCorp
Classification: Uncertain significance. Last evaluated: 2026-04-17. Review status: criteria provided, single submitter. Criteria: LabCorp Variant Classification Summary - May 2015. Collection method: clinical testing. Allele origin: germline.
Comment: Variant summary: ATP1A2 c.2770G>A (p.Val924Met) results in a conservative amino acid change in the encoded protein sequence. Algorithms developed to predict the effect of missense changes on protein structure and function are either unavailable or do not agree on the potential impact of this missense change. The variant allele was found at a frequency of 2.4e-05 in 251376 control chromosomes. The available data on variant occurrences in the general population are insufficient to allow any conclusion about variant significance. To our knowledge, no occurrence of c.2770G>A in individuals affected with ATP1A2-related conditions and no experimental evidence demonstrating its impact on protein function have been reported. ClinVar contains an entry for this variant (Variation ID: 390229). Based on the evidence outlined above, the variant was classified as uncertain significance.

Labcorp Genetics (formerly Invitae), Labcorp
Classification: Uncertain significance for Familial hemiplegic migraine. Last evaluated: 2023-01-16. Review status: criteria provided, single submitter. Criteria: Invitae Variant Classification Sherloc (09022015). Collection method: clinical testing. Allele origin: germline.
Comment: In summary, the available evidence is currently insufficient to determine the role of this variant in disease. Therefore, it has been classified as a Variant of Uncertain Significance. Advanced modeling of protein sequence and biophysical properties (such as structural, functional, and spatial information, amino acid conservation, physicochemical variation, residue mobility, and thermodynamic stability) has been performed at Invitae for this missense variant, however the output from this modeling did not meet the statistical confidence thresholds required to predict the impact of this variant on ATP1A2 protein function. ClinVar contains an entry for this variant (Variation ID: 390229). This variant has not been reported in the literature in individuals affected with ATP1A2-related conditions. This variant is present in population databases (rs373276446, gnomAD 0.005%). This sequence change replaces valine, which is neutral and non-polar, with methionine, which is neutral and non-polar, at codon 924 of the ATP1A2 protein (p.Val924Met).

Fulgent Genetics
Classification: Uncertain significance for Alternating hemiplegia of childhood 1; Migraine, familial hemiplegic, 2. Last evaluated: 2018-10-31. Review status: criteria provided, single submitter. Criteria: ACMG Guidelines, 2015. Collection method: clinical testing. Allele origin: unknown.

GeneDx
Classification: Uncertain significance. Last evaluated: 2016-10-24. Review status: criteria provided, single submitter. Criteria: GeneDx Variant Classification (06012015). Collection method: clinical testing. Allele origin: germline. Affected: yes.
Comment: A variant of uncertain significance has been identified in the ATP1A2 gene. The V924M variant has not been published as a pathogenic variant, nor has it been reported as a benign variant to our knowledge. The V924M variant was not observed with any significant frequency in approximately 6,500 individuals of European and African American ancestry in the NHLBI Exome Sequencing Project. This substitution occurs at a position that is conserved across species. However, the V924M variant is a conservative amino acid substitution, which is not likely to impact secondary protein structure as these residues share similar properties. In silico analysis is inconsistent in its predictions as to whether or not the variant is damaging to the protein structure/function. Therefore, based on the currently available information, it is unclear whether this variant is a pathogenic variant or a rare benign variant.